The following is an entry in ClinVar:

ClinVar aggregate classification (germline): Pathogenic (1 of 4 stars; one submission).

Submission:

GeneDx
Classification: Pathogenic. Last evaluated: 2016-05-31. Review status: criteria provided, single submitter. Criteria: GeneDx Variant Classification (06012015). Collection method: clinical testing. Allele origin: germline. Affected: yes.
Comment: The E35X pathogenic variant in the EMD gene has not been reported previously as a pathogenic variant nor as a benign variant, to our knowledge. This variant is predicted to cause loss of normal protein function either through protein truncation or nonsense-mediated mRNA decay. The E35X variant was not observed in approximately 6300 individuals of European and African American ancestry in the NHLBI Exome Sequencing Project, indicating it is not a common benign variant in these populations. We interpret E35X as a pathogenic variant

NM_000117.3(EMD):c.103G>T (p.Glu35Ter)

Gene: EMD (emerin; plus strand). Cytogenetic location: Xq28.
Variant type: single nucleotide variant.
Coding change: c.103G>T on transcript NM_000117.3 (MANE Select); coding-DNA position 103, G replaced by T.
Protein change: p.Glu35Ter; replaces glutamic acid 35 with a stop codon.
Molecular consequence: nonsense.
Genome position (GRCh38, 1-based): chrX:154,379,710, G>T. VCF-style: chrX-154379710-G-T. GRCh37 (hg19) VCF-style: chrX-153608070-G-T.
Other names: short protein forms E35*.
Identifiers: ClinVar variation 280644 (VCV000280644.2), dbSNP rs782222974, ClinGen allele CA10603420.
Genomic context (GRCh38, chrX:154,379,710, plus strand): 5'-TTCCCCGGCCCGCGGCCCTGACCGCCCCGTGTCCGGCCAGGATCAACTCGTAGGCTTTAC[G>T]AGAAGAAGATCTTCGAGTACGAGACCCAGAGGCGGCGGCTCTCGCCCCCCAGCTCGTCCG-3'